The following is an entry in ClinVar:

NM_015178.3(RHOBTB2):c.665G>T (p.Arg222Leu)

Gene: RHOBTB2 (Rho related BTB domain containing 2; plus strand). Cytogenetic location: 8p21.3.
Variant type: single nucleotide variant.
Coding change: c.665G>T on transcript NM_015178.3 (MANE Select); coding-DNA position 665, G replaced by T.
Protein change: p.Arg222Leu; replaces arginine 222 with leucine.
Molecular consequence: missense variant.
Genome position (GRCh38, 1-based): chr8:23,006,910, G>T. VCF-style: chr8-23006910-G-T. GRCh37 (hg19) VCF-style: chr8-22864423-G-T.
Other names: c.731G>T, p.Arg244Leu (NM_001160036.2); c.686G>T, p.Arg229Leu (NM_001160037.2); c.665G>T, p.Arg222Leu (NM_001374791.1); short protein forms R229L, R222L, R244L.
Identifiers: ClinVar variation 1439463 (VCV001439463.8), dbSNP rs763827437, ClinGen allele CA370564761.
Genomic context (GRCh38, chr8:23,006,910, plus strand): 5'-ACGCCATCCGAGCTGCACTCATCTCCCGCCGCCACCTGCAGTTCTGGAAGTCCCACCTCC[G>T]CAATGTGCAGCGGCCTCTGCTGCAGGCACCCTTCCTACCCCCCAAGCCACCGCCCCCGAT-3'
Protein context (NP_055993.2, residues 212-232): RHLQFWKSHL[Arg222Leu]NVQRPLLQAP

ClinVar aggregate classification (germline): Uncertain significance (1 of 4 stars; one submission).

Submission:

Labcorp Genetics (formerly Invitae), Labcorp
Classification: Uncertain significance. Last evaluated: 2021-02-21. Review status: criteria provided, single submitter. Criteria: Invitae Variant Classification Sherloc (09022015). Collection method: clinical testing. Allele origin: germline.
Comment: This sequence change replaces arginine with leucine at codon 244 of the RHOBTB2 protein (p.Arg244Leu). The arginine residue is highly conserved and there is a moderate physicochemical difference between arginine and leucine. This variant is not present in population databases (ExAC no frequency). This variant has not been reported in the literature in individuals with RHOBTB2-related conditions. Algorithms developed to predict the effect of missense changes on protein structure and function (SIFT, PolyPhen-2, Align-GVGD) all suggest that this variant is likely to be disruptive, but these predictions have not been confirmed by published functional studies and their clinical significance is uncertain. In summary, the available evidence is currently insufficient to determine the role of this variant in disease. Therefore, it has been classified as a Variant of Uncertain Significance.